The following is an entry in ClinVar:

ClinVar aggregate classification (germline): Uncertain significance (1 of 4 stars; one submission).

Conditions:
Developmental and epileptic encephalopathy 94 (DEE94). Also called: CHD2-Related Neurodevelopmental Disorders; Epileptic encephalopathy, childhood-onset. Identifiers: Orphanet 1942, Orphanet 2382, MedGen C3809278, MONDO:0014150, OMIM 615369.

Submission:

Labcorp Genetics (formerly Invitae), Labcorp
Classification: Uncertain significance for Developmental and epileptic encephalopathy 94. Last evaluated: 2023-05-11. Review status: criteria provided, single submitter. Criteria: Invitae Variant Classification Sherloc (09022015). Collection method: clinical testing. Allele origin: germline.
Comment: In summary, the available evidence is currently insufficient to determine the role of this variant in disease. Therefore, it has been classified as a Variant of Uncertain Significance. Advanced modeling of protein sequence and biophysical properties (such as structural, functional, and spatial information, amino acid conservation, physicochemical variation, residue mobility, and thermodynamic stability) performed at Invitae indicates that this missense variant is not expected to disrupt CHD2 protein function. This variant has not been reported in the literature in individuals affected with CHD2-related conditions. This variant is not present in population databases (gnomAD no frequency). This sequence change replaces isoleucine, which is neutral and non-polar, with valine, which is neutral and non-polar, at codon 124 of the CHD2 protein (p.Ile124Val).

NM_001271.4(CHD2):c.370A>G (p.Ile124Val)

Gene: CHD2 (chromodomain helicase DNA binding protein 2; plus strand). Cytogenetic location: 15q26.1.
Variant type: single nucleotide variant.
Coding change: c.370A>G on transcript NM_001271.4 (MANE Select); coding-DNA position 370, A replaced by G.
Protein change: p.Ile124Val; replaces isoleucine 124 with valine.
Molecular consequence: missense variant.
Genome position (GRCh38, 1-based): chr15:92,927,319, A>G. VCF-style: chr15-92927319-A-G. GRCh37 (hg19) VCF-style: chr15-93470549-A-G.
Other names: c.370A>G, p.Ile124Val (NM_001042572.3); short protein forms I124V.
Identifiers: ClinVar variation 2863466 (VCV002863466.3), dbSNP rs2505393423, ClinGen allele CA393897017.
Genomic context (GRCh38, chr15:92,927,319, plus strand): 5'-CCTGATGTTTATGGGGTCAGGCGGTCAAACCGAAGCAGACAAGAACCATCGCGATTTAAT[A>G]TTAAGGAAGAGGTAAGGAAAAAATGTTTTAAGGGCATGCATTTAAACTCCCTATCTTACT-3'
Protein context (NP_001262.3, residues 114-134): RSRQEPSRFN[Ile124Val]KEEASSGSES